The following is an entry in ClinVar:

ClinVar aggregate classification (germline): Pathogenic (1 of 4 stars; one submission).

Submission:

GeneDx
Classification: Pathogenic. Last evaluated: 2026-03-16. Review status: criteria provided, single submitter. Criteria: GeneDx Variant Classification Process June 2021. Collection method: clinical testing. Allele origin: germline.
Comment: Frameshift variant predicted to result in protein truncation or nonsense mediated decay in a gene for which loss of function is a known mechanism of disease; Not observed at significant frequency in large population cohorts (gnomAD); This variant is associated with the following publications: (PMID: 37981895, 23908464)

NM_005475.3(SH2B3):c.685_691dup (p.Asp231fs)

Gene: SH2B3 (SH2B adaptor protein 3; plus strand). Cytogenetic location: 12q24.12.
Variant type: Microsatellite.
Coding change: c.685_691dup on transcript NM_005475.3 (MANE Select); coding-DNA positions 685 to 691, 7 bases duplicated (GGCCCCG; older notation c.685_691dupGGCCCCG).
Protein change: p.Asp231fs; shifts the reading frame from aspartic acid 231.
Molecular consequence: frameshift variant.
Genome position (GRCh38, 1-based): chr12:111,418,830-111,418,836, GGCCCCG duplicated; duplicating any 7 consecutive bases within chr12:111,418,820-111,418,836 gives the same sequence; the c. name uses the placement nearest the transcript's 3' end. VCF-style (leftmost placement, unchanged base first): chr12-111418819-G-GCCGGGCC. GRCh37 (hg19) VCF-style: chr12-111856623-G-GCCGGGCC.
Other names: c.678_684GGCCCCG[3], p.Asp231Glyfs (NM_005475.2); c.685_691dup (NM_005475.2); short protein forms D231fs.
Identifiers: ClinVar variation 4975194 (VCV004975194.1).